The following is an entry in ClinVar:

NM_015450.3(POT1):c.274dup (p.Glu92fs)

Gene: POT1 (protection of telomeres 1; minus strand). Cytogenetic location: 7q31.33.
Variant type: Duplication.
Coding change: c.274dup on transcript NM_015450.3 (MANE Select); coding-DNA position 274, one base duplicated (G; older notation c.274dupG).
Protein change: p.Glu92fs; shifts the reading frame from glutamic acid 92.
Molecular consequence: frameshift variant. On other transcripts: 5 prime UTR variant (1), non-coding transcript variant (3).
Genome position (GRCh38, 1-based): chr7:124,863,622, C duplicated on the plus strand (G on the coding strand, the reverse complement: POT1 is on the minus strand); the first of 2 consecutive C bases (chr7:124,863,622-124,863,623); duplicating either gives the same sequence. VCF-style (leftmost placement, unchanged base first): chr7-124863621-T-TC. GRCh37 (hg19) VCF-style: chr7-124503675-T-TC.
Other names: c.-120dup (NM_001042594.2); short protein forms E92fs.
Identifiers: ClinVar variation 3781979 (VCV003781979.1).

ClinVar aggregate classification (germline): Pathogenic (1 of 4 stars; one submission).

Conditions:
Hereditary cancer-predisposing syndrome. Also called: Neoplastic Syndromes, Hereditary; Hereditary Cancer Syndrome; Tumor predisposition; Hereditary neoplastic syndrome. Identifiers: Orphanet 140162, MedGen C0027672, MeSH D009386, MONDO:0015356.

Submission:

Ambry Genetics
Classification: Pathogenic for Hereditary cancer-predisposing syndrome. Last evaluated: 2024-12-13. Review status: criteria provided, single submitter. Criteria: Ambry Variant Classification Scheme 2023. Collection method: clinical testing. Allele origin: germline.
Comment: The c.274dupG pathogenic mutation, located in coding exon 4 of the POT1 gene, results from a duplication of G at nucleotide position 274, causing a translational frameshift with a predicted alternate stop codon (p.E92Gfs*16). This variant is considered to be rare based on population cohorts in the Genome Aggregation Database (gnomAD). This alteration is expected to result in loss of function by premature protein truncation or nonsense-mediated mRNA decay. As such, this alteration is interpreted as a disease-causing mutation.